The following is an entry in ClinVar:

NM_015404.4(WHRN):c.1111G>A (p.Glu371Lys)

Gene: WHRN (whirlin; minus strand). Cytogenetic location: 9q32.
Variant type: single nucleotide variant.
Coding change: c.1111G>A on transcript NM_015404.4 (MANE Select); coding-DNA position 1111, G replaced by A.
Protein change: p.Glu371Lys; replaces glutamic acid 371 with lysine.
Molecular consequence: missense variant. On other transcripts: 5 prime UTR variant (1).
Genome position (GRCh38, 1-based): chr9:114,426,266, C>T on the plus strand (G>A on the coding strand, the complement: WHRN is on the minus strand). VCF-style: chr9-114426266-C-T. GRCh37 (hg19) VCF-style: chr9-117188546-C-T.
Other names: c.-39G>A (NM_001083885.3); c.1111G>A, p.Glu371Lys (NM_001173425.2); short protein forms E371K.
Identifiers: ClinVar variation 1493516 (VCV001493516.3), dbSNP rs760297351, ClinGen allele CA5206081.

ClinVar aggregate classification (germline): Uncertain significance (1 of 4 stars; one submission).

Allele frequency attached by ClinVar (database versions not stated): TOPMed 0.00001; gnomAD 0.00001; gnomAD exomes below 0.00001; ExAC 0.00002.
gnomAD v4.1: 19 of 1,612,962 alleles (0.0012%); highest among the groups gnomAD compares: African/African-American, 0.0027%; no homozygotes.

Submission:

Labcorp Genetics (formerly Invitae), Labcorp
Classification: Uncertain significance. Last evaluated: 2022-03-18. Review status: criteria provided, single submitter. Criteria: Invitae Variant Classification Sherloc (09022015). Collection method: clinical testing. Allele origin: germline.
Comment: This sequence change replaces glutamic acid, which is acidic and polar, with lysine, which is basic and polar, at codon 371 of the WHRN protein (p.Glu371Lys). The frequency data for this variant in the population databases is considered unreliable, as metrics indicate poor data quality at this position in the gnomAD database. This variant has not been reported in the literature in individuals affected with WHRN-related conditions. Algorithms developed to predict the effect of missense changes on protein structure and function output the following: SIFT: "Tolerated"; PolyPhen-2: "Benign"; Align-GVGD: "Class C0". The lysine amino acid residue is found in multiple mammalian species, which suggests that this missense change does not adversely affect protein function. In summary, the available evidence is currently insufficient to determine the role of this variant in disease. Therefore, it has been classified as a Variant of Uncertain Significance.